The following is an entry in ClinVar:

NM_005159.5(ACTC1):c.1085A>C (p.Gln362Pro)

Genes: ACTC1 (actin alpha cardiac muscle 1; minus strand), GJD2-DT (GJD2 divergent transcript; plus strand). Cytogenetic location: 15q14.
Variant type: single nucleotide variant.
Coding change: c.1085A>C on transcript NM_005159.5 (MANE Select); coding-DNA position 1085, A replaced by C.
Protein change: p.Gln362Pro; replaces glutamine 362 with proline.
Molecular consequence: missense variant.
Genome position (GRCh38, 1-based): chr15:34,790,461, T>G on the plus strand (A>C on the coding strand, the complement: ACTC1 is on the minus strand). VCF-style: chr15-34790461-T-G. GRCh37 (hg19) VCF-style: chr15-35082662-T-G.
Other names: short protein forms Q362P.
Identifiers: ClinVar variation 1393320 (VCV001393320.11), dbSNP rs375435815, ClinGen allele CA040686.

ClinVar aggregate classification (germline): Uncertain significance. Review status: criteria provided, multiple submitters, no conflicts (2 of 4 stars). 4 submissions from 4 submitters: Uncertain significance (4). Last evaluated 2025-04-07.

Conditions:
Dilated cardiomyopathy 1R (CMD1R). Identifiers: Orphanet 154, Orphanet 54260, MedGen C3150681, MONDO:0013261, OMIM 613424.
Atrial septal defect 5 (ASD5). Identifiers: Orphanet 1478, MedGen C2748552, MONDO:0013011, OMIM 612794.
Hypertrophic cardiomyopathy 11. Also called: ACTC1-Related Familial Hypertrophic Cardiomyopathy. Identifiers: MedGen C2677506, MONDO:0012799, OMIM 612098.
Cardiovascular phenotype. Identifiers: MedGen CN230736.
Hypertrophic cardiomyopathy. Also called: HYPERTROPHIC MYOCARDIOPATHY. Identifiers: Orphanet 217569, MedGen C0007194, MeSH D002312, MONDO:0005045, HP:0001639.

Allele frequency attached by ClinVar (database versions not stated): gnomAD exomes below 0.00001; ExAC 0.00001; gnomAD 0.00001; TOPMed 0.00001; ESP Exome Variant Server 0.00008.
gnomAD v4.1: 3 of 1,614,066 alleles (0.00019%); highest among the groups gnomAD compares: Non-Finnish European, 0.00025%; no homozygotes.

Submissions (4):

Ambry Genetics
Classification: Uncertain significance for Cardiovascular phenotype. Last evaluated: 2025-04-07. Review status: criteria provided, single submitter. Criteria: Ambry Variant Classification Scheme 2023. Collection method: clinical testing. Allele origin: germline.
Comment: The p.Q362P variant (also known as c.1085A>C), located in coding exon 6 of the ACTC1 gene, results from an A to C substitution at nucleotide position 1085. The glutamine at codon 362 is replaced by proline, an amino acid with similar properties. This amino acid position is conserved. In addition, the in silico prediction for this alteration is inconclusive. Since supporting evidence is limited at this time, the clinical significance of this alteration remains unclear.

All of Us Research Program, National Institutes of Health
Classification: Uncertain significance for Hypertrophic cardiomyopathy. Last evaluated: 2024-03-24. Review status: criteria provided, single submitter. Criteria: ACMG Guidelines, 2015. Collection method: clinical testing. Allele origin: germline. Inheritance: Autosomal dominant inheritance. Observed: 2 variant alleles, 2 heterozygotes.
Comment: This missense variant replaces glutamine with proline at codon 362 of the ACTC1 protein. Computational prediction is inconclusive regarding the impact of this variant on protein structure and function (internally defined REVEL score threshold 0.5 < inconclusive < 0.7, PMID: 27666373). To our knowledge, functional studies have not been reported for this variant. This variant has not been reported in individuals affected with cardiovascular disorders in the literature. This variant has not been identified in the general population by the Genome Aggregation Database (gnomAD). The available evidence is insufficient to determine the role of this variant in disease conclusively. Therefore, this variant is classified as a Variant of Uncertain Significance.

This study involves interpretation of variants in research participants for the purpose of population health screening. Participant phenotype was not available at the time of variant classification. Additional details can be found in publication PMID: 35346344, PMCID: PMC8962531

Fulgent Genetics
Classification: Uncertain significance for Hypertrophic cardiomyopathy 11; Atrial septal defect 5; Dilated cardiomyopathy 1R. Last evaluated: 2022-05-25. Review status: criteria provided, single submitter. Criteria: ACMG Guidelines, 2015. Collection method: clinical testing. Allele origin: unknown.

Labcorp Genetics (formerly Invitae), Labcorp
Classification: Uncertain significance for Dilated cardiomyopathy 1R; Hypertrophic cardiomyopathy 11; Atrial septal defect 5. Last evaluated: 2021-11-24. Review status: criteria provided, single submitter. Criteria: Invitae Variant Classification Sherloc (09022015). Collection method: clinical testing. Allele origin: germline.
Comment: This sequence change replaces glutamine, which is neutral and polar, with proline, which is neutral and non-polar, at codon 362 of the ACTC1 protein (p.Gln362Pro). This variant is present in population databases (rs375435815, gnomAD 0.0009%). This variant has not been reported in the literature in individuals affected with ACTC1-related conditions. Algorithms developed to predict the effect of missense changes on protein structure and function (SIFT, PolyPhen-2, Align-GVGD) all suggest that this variant is likely to be tolerated. In summary, the available evidence is currently insufficient to determine the role of this variant in disease. Therefore, it has been classified as a Variant of Uncertain Significance.